The following is an entry in ClinVar:

ClinVar aggregate classification (germline): Uncertain significance (1 of 4 stars; one submission).

Allele frequency attached by ClinVar (database versions not stated): gnomAD exomes below 0.00001; gnomAD 0.00001; TOPMed 0.00001.
gnomAD v4.1: 3 of 1,613,382 alleles (0.00019%); highest among the groups gnomAD compares: Non-Finnish European, 0.00025%; no homozygotes.

Submission:

Labcorp Genetics (formerly Invitae), Labcorp
Classification: Uncertain significance. Last evaluated: 2023-11-08. Review status: criteria provided, single submitter. Criteria: Invitae Variant Classification Sherloc (09022015). Collection method: clinical testing. Allele origin: germline.
Comment: This sequence change replaces arginine, which is basic and polar, with lysine, which is basic and polar, at codon 753 of the CLTC protein (p.Arg753Lys). This variant is not present in population databases (gnomAD no frequency). This variant has not been reported in the literature in individuals affected with CLTC-related conditions. Advanced modeling of protein sequence and biophysical properties (such as structural, functional, and spatial information, amino acid conservation, physicochemical variation, residue mobility, and thermodynamic stability) performed at Invitae indicates that this missense variant is not expected to disrupt CLTC protein function with a negative predictive value of 80%. In summary, the available evidence is currently insufficient to determine the role of this variant in disease. Therefore, it has been classified as a Variant of Uncertain Significance.

NM_004859.4(CLTC):c.2246G>A (p.Arg749Lys)

Gene: CLTC (clathrin heavy chain; plus strand). Cytogenetic location: 17q23.1.
Variant type: single nucleotide variant.
Coding change: c.2246G>A on transcript NM_004859.4 (MANE Select); coding-DNA position 2246, G replaced by A.
Protein change: p.Arg749Lys; replaces arginine 749 with lysine.
Molecular consequence: missense variant.
Genome position (GRCh38, 1-based): chr17:59,668,894, G>A. VCF-style: chr17-59668894-G-A. GRCh37 (hg19) VCF-style: chr17-57746255-G-A.
Other names: c.2258G>A, p.Arg753Lys (NM_001288653.2); short protein forms R753K, R749K.
Identifiers: ClinVar variation 2892680 (VCV002892680.3), dbSNP rs1453039591, ClinGen allele CA400413841.